The following is an entry in ClinVar:

NM_001374736.1(DST):c.17594G>A (p.Arg5865Gln)

Gene: DST (dystonin; minus strand). Cytogenetic location: 6p12.1.
Variant type: single nucleotide variant.
Coding change: c.17594G>A on transcript NM_001374736.1 (MANE Select); coding-DNA position 17594, G replaced by A.
Protein change: p.Arg5865Gln; replaces arginine 5865 with glutamine.
Molecular consequence: missense variant. On other transcripts: intron variant (2).
Genome position (GRCh38, 1-based): chr6:56,529,449, C>T on the plus strand (G>A on the coding strand, the complement: DST is on the minus strand). VCF-style: chr6-56529449-C-T. GRCh37 (hg19) VCF-style: chr6-56394247-C-T.
Other names: c.11237G>A, p.Arg3746Gln (NM_001144769.5); c.10823G>A, p.Arg3608Gln (NM_001144770.2); c.17594G>A, p.Arg5865Gln (NM_001374722.1); c.17621G>A, p.Arg5874Gln (NM_001374734.1); c.10703G>A, p.Arg3568Gln (NM_001386100.1, NM_183380.4); c.9725G>A, p.Arg3242Gln (NM_015548.5); c.10378-524G>A (NM_001374730.1); c.16636-524G>A (NM_001374729.1); short protein forms R3242Q, R5865Q, R3746Q, R3568Q, R5874Q, R3608Q.
Identifiers: ClinVar variation 2180018 (VCV002180018.2), dbSNP rs1337902035, ClinGen allele CA364507624.
Genomic context (GRCh38, chr6:56,529,449, plus strand): 5'-CTAAGAAATAATGACAATTGAAATGAAAAAATAAGATAAAATAAAATAAATCAAAATACC[C>T]GAAGTTCAGACTGCTGCTTCCATAGCCCCTCAGTGCTGTAATCCTGGACTGAGAGCTTGC-3'
Protein context (NP_001361665.1, residues 5855-5875): EGLWKQQSEL[Arg5865Gln]VLQEDILLRK

ClinVar aggregate classification (germline): Uncertain significance (1 of 4 stars; one submission).

Conditions:
Epidermolysis bullosa simplex 3, localized or generalized intermediate, with BP230 deficiency (EBS3). Also called: Epidermolysis bullosa simplex due to BP230 deficiency; Epidermolysis bullosa simplex, autosomal recessive 2. Identifiers: Orphanet 412181, MedGen C3809470, MONDO:0014180, OMIM 615425.
Hereditary sensory and autonomic neuropathy type 6. Also called: Neuropathy, hereditary sensory and autonomic, type VI; HSAN VI. Identifiers: Orphanet 314381, MedGen C3539003, MONDO:0013839, OMIM 614653.

Allele frequency attached by ClinVar (database versions not stated): TOPMed 0.00001.
gnomAD v4.1: 11 of 1,466,500 alleles (0.00075%); highest among the groups gnomAD compares: South Asian, 0.005%; no homozygotes.

Submission:

Labcorp Genetics (formerly Invitae), Labcorp
Classification: Uncertain significance for Epidermolysis bullosa simplex 3, localized or generalized intermediate, with BP230 deficiency; Hereditary sensory and autonomic neuropathy type 6. Last evaluated: 2022-06-19. Review status: criteria provided, single submitter. Criteria: Invitae Variant Classification Sherloc (09022015). Collection method: clinical testing. Allele origin: germline.
Comment: This variant has not been reported in the literature in individuals affected with DST-related conditions. This variant is present in population databases (no rsID available, gnomAD 0.006%). This sequence change replaces arginine, which is basic and polar, with glutamine, which is neutral and polar, at codon 3242 of the DST protein (p.Arg3242Gln). The DST gene has multiple clinically relevant transcripts. This variant occurs in alternate transcript NM_015548.4, and corresponds to NM_001723.5:c.*86068G>A in the primary transcript. Experimental studies and prediction algorithms are not available or were not evaluated, and the functional significance of this variant is currently unknown. In summary, the available evidence is currently insufficient to determine the role of this variant in disease. Therefore, it has been classified as a Variant of Uncertain Significance.